The following is an entry in ClinVar:

NM_001080.3(ALDH5A1):c.80G>A (p.Arg27His)

Genes: ALDH5A1 (aldehyde dehydrogenase 5 family member A1; plus strand), GPLD1 (glycosylphosphatidylinositol specific phospholipase D1; minus strand), LOC129995978 (ATAC-STARR-seq lymphoblastoid silent region 16989; plus strand). Cytogenetic location: 6p22.3.
Variant type: single nucleotide variant.
Coding change: c.80G>A on transcript NM_001080.3 (MANE Select); coding-DNA position 80, G replaced by A.
Protein change: p.Arg27His; replaces arginine 27 with histidine.
Molecular consequence: missense variant.
Genome position (GRCh38, 1-based): chr6:24,495,076, G>A. VCF-style: chr6-24495076-G-A. GRCh37 (hg19) VCF-style: chr6-24495304-G-A.
Other names: c.80G>A, p.Arg27His (NM_001368954.1, NM_170740.1); short protein forms R27H.
Identifiers: ClinVar variation 1006466 (VCV001006466.9), dbSNP rs749120771, ClinGen allele CA362968192.

ClinVar aggregate classification (germline): Uncertain significance (1 of 4 stars; one submission).

Conditions:
Succinate-semialdehyde dehydrogenase deficiency (SSADHD). Also called: Succinic Semialdehyde Dehydrogenase Deficiency; SSADH DEFICIENCY; 4-HYDROXYBUTYRIC ACIDURIA; GABA METABOLIC DEFECT. Identifiers: Orphanet 22, MedGen C0268631, MONDO:0010083, OMIM 271980.

gnomAD v4.1: 2 of 1,322,096 alleles (0.00015%); highest among the groups gnomAD compares: Non-Finnish European, 0.00019%; no homozygotes.

Submission:

Labcorp Genetics (formerly Invitae), Labcorp
Classification: Uncertain significance for Succinate-semialdehyde dehydrogenase deficiency. Last evaluated: 2021-06-07. Review status: criteria provided, single submitter. Criteria: Invitae Variant Classification Sherloc (09022015). Collection method: clinical testing. Allele origin: germline.
Comment: Advanced modeling of protein sequence and biophysical properties (such as structural, functional, and spatial information, amino acid conservation, physicochemical variation, residue mobility, and thermodynamic stability) performed at Invitae indicates that this missense variant is not expected to disrupt ALDH5A1 protein function. In summary, the available evidence is currently insufficient to determine the role of this variant in disease. Therefore, it has been classified as a Variant of Uncertain Significance. This variant has not been reported in the literature in individuals with ALDH5A1-related conditions. The frequency data for this variant in the population databases is considered unreliable, as metrics indicate insufficient coverage at this position in the ExAC database. This sequence change replaces arginine with histidine at codon 27 of the ALDH5A1 protein (p.Arg27His). The arginine residue is weakly conserved and there is a small physicochemical difference between arginine and histidine.